The following is an entry in ClinVar:

ClinVar aggregate classification (germline): Uncertain significance (1 of 4 stars; one submission).

Allele frequency attached by ClinVar (database versions not stated): TOPMed below 0.00001; gnomAD 0.00001; gnomAD exomes 0.00001.
gnomAD v4.1: 7 of 1,613,822 alleles (0.00043%); highest among the groups gnomAD compares: Non-Finnish European, 0.00059%; no homozygotes.

Submission:

Labcorp Genetics (formerly Invitae), Labcorp
Classification: Uncertain significance. Last evaluated: 2022-06-16. Review status: criteria provided, single submitter. Criteria: Invitae Variant Classification Sherloc (09022015). Collection method: clinical testing. Allele origin: germline.
Comment: In summary, the available evidence is currently insufficient to determine the role of this variant in disease. Therefore, it has been classified as a Variant of Uncertain Significance. Algorithms developed to predict the effect of missense changes on protein structure and function (SIFT, PolyPhen-2, Align-GVGD) all suggest that this variant is likely to be disruptive. This variant has not been reported in the literature in individuals affected with SORL1-related conditions. This variant is not present in population databases (gnomAD no frequency). This sequence change replaces cysteine, which is neutral and slightly polar, with arginine, which is basic and polar, at codon 473 of the SORL1 protein (p.Cys473Arg).

NM_003105.6(SORL1):c.1417T>C (p.Cys473Arg)

Gene: SORL1 (sortilin related receptor 1; plus strand). Cytogenetic location: 11q24.1.
Variant type: single nucleotide variant.
Coding change: c.1417T>C on transcript NM_003105.6 (MANE Select); coding-DNA position 1417, T replaced by C.
Protein change: p.Cys473Arg; replaces cysteine 473 with arginine.
Molecular consequence: missense variant.
Genome position (GRCh38, 1-based): chr11:121,522,598, T>C. VCF-style: chr11-121522598-T-C. GRCh37 (hg19) VCF-style: chr11-121393307-T-C.
Other names: short protein forms C473R.
Identifiers: ClinVar variation 1941575 (VCV001941575.5), dbSNP rs1270053284, ClinGen allele CA383024448.